The following is an entry in ClinVar:

NM_002485.5(NBN):c.1035C>T (p.Gly345=)

Gene: NBN (nibrin; minus strand). Cytogenetic location: 8q21.3.
Variant type: single nucleotide variant.
Coding change: c.1035C>T on transcript NM_002485.5 (MANE Select); coding-DNA position 1035, C replaced by T.
Protein change: p.Gly345=; no amino-acid change (glycine 345 retained).
Molecular consequence: synonymous variant.
Genome position (GRCh38, 1-based): chr8:89,958,814, G>A on the plus strand (C>T on the coding strand, the complement: NBN is on the minus strand). VCF-style: chr8-89958814-G-A. GRCh37 (hg19) VCF-style: chr8-90971042-G-A.
Other names: p.G345G:GGC>GGT; c.789C>T, p.Gly263= (NM_001024688.3).
Identifiers: ClinVar variation 127853 (VCV000127853.67), dbSNP rs146605798, ClinGen allele CA287892.

ClinVar aggregate classification (germline): Conflicting classifications of pathogenicity. Review status: criteria provided, conflicting classifications (1 of 4 stars). 13 submissions from 13 submitters: Uncertain significance (1); Benign (2); Likely benign (7). 3 of the submissions do not count toward it. Last evaluated 2026-01-28.

Conditions:
NBN-related disorder. Also called: NBN-related condition.
Hereditary cancer-predisposing syndrome. Also called: Tumor predisposition; Hereditary neoplastic syndrome; Neoplastic Syndromes, Hereditary; Hereditary Cancer Syndrome. Identifiers: Orphanet 140162, MedGen C0027672, MeSH D009386, MONDO:0015356.
Microcephaly, normal intelligence and immunodeficiency (NBS). Also called: Immunodeficiency, microcephaly with normal intelligence; Ataxia telangiectasia variant V1; IMMUNODEFICIENCY, MICROCEPHALY, AND CHROMOSOMAL INSTABILITY; SEEMANOVA SYNDROME II; Nijmegen breakage syndrome; Microcephaly with normal intelligence immunodeficiency and lymphoreticular malignancies. Identifiers: Orphanet 647, MedGen C0398791, MONDO:0009623, OMIM 251260.

Allele frequency attached by ClinVar (database versions not stated): gnomAD 0.00011 and 0.00014; gnomAD exomes 0.00013 and 0.00043; TOPMed 0.00027; 1000 Genomes Project 30x 0.00047; ExAC 0.00049; 1000 Genomes Project 0.00060.
gnomAD v4.1: 220 of 1,613,764 alleles (0.014%); highest among the groups gnomAD compares: East Asian, 0.41%; 1 homozygote.

Submissions (14):

Labcorp Genetics (formerly Invitae), Labcorp
Classification: Benign for Microcephaly, normal intelligence and immunodeficiency. Last evaluated: 2026-01-28. Review status: criteria provided, single submitter. Criteria: Invitae Variant Classification Sherloc (09022015). Collection method: clinical testing. Allele origin: germline.

Blueprint Genetics
Classification: Likely benign. Last evaluated: 2024-10-28. Review status: criteria provided, single submitter. Criteria: ACMG Guidelines, 2015. Collection method: clinical testing. Allele origin: germline.

Quest Diagnostics Nichols Institute San Juan Capistrano
Classification: Likely benign. Last evaluated: 2023-06-20. Review status: criteria provided, single submitter. Criteria: Quest Diagnostics criteria. Collection method: clinical testing. Allele origin: unknown.

CeGaT Center for Human Genetics Tuebingen
Classification: Likely benign. Last evaluated: 2023-03-01. Review status: criteria provided, single submitter. Criteria: CeGaT Center For Human Genetics Tuebingen Variant Classification Criteria Version 2. Collection method: clinical testing. Allele origin: germline. Affected: yes. Observed: 1 variant allele.
Comment: NBN: BP4, BP7

Sema4
Classification: Likely benign for Hereditary cancer-predisposing syndrome. Last evaluated: 2021-11-01. Review status: criteria provided, single submitter. Criteria: Sema4 Curation Guidelines. Collection method: curation. Allele origin: germline.

GeneDx
Classification: Likely benign. Last evaluated: 2021-04-28. Review status: criteria provided, single submitter. Criteria: GeneDx Variant Classification Process June 2021. Collection method: clinical testing. Allele origin: germline. Affected: yes.
Comment: This variant is associated with the following publications: (PMID: 25980754)

Genetic Services Laboratory, University of Chicago
Classification: Uncertain significance. Last evaluated: 2019-08-27. Review status: criteria provided, single submitter. Criteria: ACMG Guidelines, 2015. Collection method: clinical testing. Allele origin: germline. Affected: no.

Illumina Laboratory Services, Illumina
Classification: Likely benign for Microcephaly, normal intelligence and immunodeficiency. Last evaluated: 2018-01-12. Review status: criteria provided, single submitter. Criteria: ICSL Variant Classification Criteria 13 December 2019. Collection method: clinical testing. Allele origin: germline.
Comment: This variant was observed in the ICSL laboratory as part of a predisposition screen in an ostensibly healthy population. It had not been previously curated by ICSL or reported in the Human Gene Mutation Database (HGMD: prior to June 1st, 2018), and was therefore a candidate for classification through an automated scoring system. Utilizing variant allele frequency, disease prevalence and penetrance estimates, and inheritance mode, an automated score was calculated to assess if this variant is too frequent to cause the disease. Based on the score and internal cut-off values, a variant classified as likely benign is not then subjected to further curation. The score for this variant resulted in a classification of likely benign for this disease.

Women's Health and Genetics/Laboratory Corporation of America, LabCorp
Classification: Benign. Last evaluated: 2016-12-16. Review status: criteria provided, single submitter. Criteria: LabCorp Variant Classification Summary - May 2015. Collection method: clinical testing. Allele origin: germline.
Comment: Variant summary: The NBN c.1035C>T (p.Gly345Gly) variant involves the alteration of a non-conserved nucleotide, resulting in a synonymous change. One in silico tool predicts a benign outcome for this variant. multiple in silico models predict the formation of a cryptic donor site with a higher score than the canonocal splice donor site, however, these predictions have yet to be confirmed by functional studies. This variant was found in 59/121358 control chromosomes, predominantly observed in the East Asian subpopulation at a frequency of 0.0067021 (58/8654). This frequency is about 54 times the estimated maximal expected allele frequency of a pathogenic NBN variant (0.000125), suggesting this is likely a benign polymorphism found primarily in the populations of East Asian origin. In addition, multiple clinical diagnostic laboratories/reputable databases classified this variant as benign/likely benign. The variant of interest has not, to our knowledge, been reported in affected individuals via publications nor evaluated for functional impact by in vivo/vitro studies. Taken together, this variant is classified as benign.

Ambry Genetics
Classification: Likely benign for Hereditary cancer-predisposing syndrome. Last evaluated: 2014-10-17. Review status: criteria provided, single submitter. Criteria: Ambry Variant Classification Scheme 2023. Collection method: clinical testing. Allele origin: germline.

PreventionGenetics, part of Exact Sciences
Classification: Likely benign for NBN-related condition. Last evaluated: 2019-09-13. Review status: no assertion criteria provided. Collection method: clinical testing. Allele origin: germline. Not counted in ClinVar's aggregate classification.
Comment: This variant is classified as likely benign based on ACMG/AMP sequence variant interpretation guidelines (Richards et al. 2015 PMID: 25741868, with internal and published modifications).

True Health Diagnostics
Classification: Likely benign for Hereditary cancer-predisposing syndrome. Last evaluated: 2017-08-22. Review status: no assertion criteria provided. Collection method: clinical testing. Allele origin: germline. Not counted in ClinVar's aggregate classification.

Department of Pathology and Laboratory Medicine, Sinai Health System
Classification: Uncertain significance. Review status: no assertion criteria provided. Collection method: clinical testing. Allele origin: unknown. Affected: yes. Study: The Canadian Open Genetics Repository (COGR). Not counted in ClinVar's aggregate classification.
Comment: The NBN p.Gly345Gly variant was not identified in the literature nor was it identified in the Cosmic, LOVD 3.0, Zhejiang Colon Cancer databases. The variant was also identified in the following databases: dbSNP (ID: rs146605798) as â€šÃ„ÃºWith Likely benign, Uncertain significance alleleâ€šÃ„Ã¹, ClinVar (3x, as Benign by Invitae, likely benign by Amby Genetics and uncertain significance by GeneDx), Clinvitae (3x). The variant was identified in control databases in 109 of 277086 chromosomes at a frequency of 0.000393 in the following populations: â€šÃ„Ãºotherâ€šÃ„Ã¹ in 1 of 6466 chromosomes (freq. 0.00015), European in 1 of 126612 chromosomes (freq. 0.000008), East Asian in 104 of 18868 chromosomes (freq. 0.0055), Finnish in 3 of 25794 chromosomes (freq. 0.000116) (Genome Aggregation Consortium Feb 27, 2017). The p.Gly345Gly variant is not expected to have clinical significance because it does not result in a change of amino acid. The variant occurs outside of the splicing consensus sequence and 3 of 5 in silico or computational prediction software programs (SpliceSiteFinder, MaxEntScan, NNSPLICE, GeneSplicer, HumanSpliceFinder) predict a greater than 10% difference in splicing. However, this information is not predictive enough to assume pathogenicity. In summary, based on the above information the clinical significance of this variant cannot be determined with certainty at this time. This variant is classified as uncertain significance.

Dr. Peter K. Rogan Lab, Western University
No classification provided (evidence only). Condition: Thyroid cancer, nonmedullary, 1. Review status: no classification provided. Collection method: in vitro. Allele origin: not applicable. Functional consequence: retained intron. Not counted in ClinVar's aggregate classification.

Literature cited by the submitters: PubMed 25980754 (cited by Quest Diagnostics Nichols Institute San Juan Capistrano); PubMed 30287823 (cited by Quest Diagnostics Nichols Institute San Juan Capistrano).